The following is an entry in ClinVar:

NM_005276.4(GPD1):c.846+9C>T

Gene: GPD1 (glycerol-3-phosphate dehydrogenase 1; plus strand). Cytogenetic location: 12q13.12.
Variant type: single nucleotide variant.
Coding change: c.846+9C>T on transcript NM_005276.4 (MANE Select); 9 bases into the intron after coding-DNA position 846, C replaced by T.
Molecular consequence: intron variant.
Genome position (GRCh38, 1-based): chr12:50,107,809, C>T. VCF-style: chr12-50107809-C-T. GRCh37 (hg19) VCF-style: chr12-50501592-C-T.
Other names: c.777+9C>T (NM_001257199.2).
Identifiers: ClinVar variation 739093 (VCV000739093.8), dbSNP rs376214632, ClinGen allele CA6561766.

ClinVar aggregate classification (germline): Likely benign. Review status: criteria provided, single submitter (1 of 4 stars). 2 submissions from 2 submitters: Likely benign (1). 1 of the submissions does not count toward it. Last evaluated 2025-09-27.

Conditions:
GPD1-related disorder. Also called: GPD1-related condition.

Allele frequency attached by ClinVar (database versions not stated): gnomAD 0.00002 and 0.00009; TOPMed 0.00003; gnomAD exomes 0.00007 and 0.00010; ExAC 0.00008; ESP Exome Variant Server 0.00008.
gnomAD v4.1: 112 of 1,592,672 alleles (0.007%); highest among the groups gnomAD compares: South Asian, 0.056%; no homozygotes.

Submissions (2):

Labcorp Genetics (formerly Invitae), Labcorp
Classification: Likely benign. Last evaluated: 2025-09-27. Review status: criteria provided, single submitter. Criteria: Invitae Variant Classification Sherloc (09022015). Collection method: clinical testing. Allele origin: germline.

PreventionGenetics, part of Exact Sciences
Classification: Likely benign for GPD1-related condition. Last evaluated: 2019-03-27. Review status: no assertion criteria provided. Collection method: clinical testing. Allele origin: germline. Not counted in ClinVar's aggregate classification.
Comment: This variant is classified as likely benign based on ACMG/AMP sequence variant interpretation guidelines (Richards et al. 2015 PMID: 25741868, with internal and published modifications).